The following is an entry in ClinVar:

ClinVar aggregate classification (germline): Uncertain significance (1 of 4 stars; one submission).

Submission:

Labcorp Genetics (formerly Invitae), Labcorp
Classification: Uncertain significance. Last evaluated: 2023-05-18. Review status: criteria provided, single submitter. Criteria: Invitae Variant Classification Sherloc (09022015). Collection method: clinical testing. Allele origin: germline.
Comment: In summary, the available evidence is currently insufficient to determine the role of this variant in disease. Therefore, it has been classified as a Variant of Uncertain Significance. Advanced modeling of protein sequence and biophysical properties (such as structural, functional, and spatial information, amino acid conservation, physicochemical variation, residue mobility, and thermodynamic stability) has been performed at Invitae for this missense variant, however the output from this modeling did not meet the statistical confidence thresholds required to predict the impact of this variant on DNAH9 protein function. This variant has not been reported in the literature in individuals affected with DNAH9-related conditions. This variant is not present in population databases (gnomAD no frequency). This sequence change replaces lysine, which is basic and polar, with threonine, which is neutral and polar, at codon 1022 of the DNAH9 protein (p.Lys1022Thr).

NM_001372.4(DNAH9):c.3065A>C (p.Lys1022Thr)

Genes: DNAH9 (dynein axonemal heavy chain 9; plus strand), LOC126862505 (BRD4-independent group 4 enhancer GRCh37_chr17:11572478-11573677; plus strand). Cytogenetic location: 17p12.
Variant type: single nucleotide variant.
Coding change: c.3065A>C on transcript NM_001372.4 (MANE Select); coding-DNA position 3065, A replaced by C.
Protein change: p.Lys1022Thr; replaces lysine 1022 with threonine.
Molecular consequence: missense variant.
Genome position (GRCh38, 1-based): chr17:11,669,506, A>C. VCF-style: chr17-11669506-A-C. GRCh37 (hg19) VCF-style: chr17-11572823-A-C.
Other names: short protein forms K1022T.
Identifiers: ClinVar variation 2865433 (VCV002865433.3), dbSNP rs2544356892, ClinGen allele CA398182535.